The following is an entry in ClinVar:

ClinVar aggregate classification (germline): Benign. Review status: criteria provided, multiple submitters, no conflicts (2 of 4 stars). 9 submissions from 8 submitters: Benign (8). 1 of the submissions does not count toward it. Last evaluated 2025-03-04.

Conditions:
MITF-related disorder. Also called: MITF-related condition.
Melanoma, cutaneous malignant, susceptibility to, 8. Also called: Cutaneous malignant melanoma 8; MELANOMA AND RENAL CELL CARCINOMA, SUSCEPTIBILITY TO. Identifiers: Orphanet 293822, MedGen C3152204, MONDO:0013759, OMIM 614456.
Waardenburg syndrome type 2A (WS2A). Also called: WAARDENBURG SYNDROME WITHOUT DYSTOPIA CANTHORUM. Identifiers: Orphanet 3440, MedGen C1860339, MONDO:0008671, OMIM 193510.

Allele frequency attached by ClinVar (database versions not stated): ExAC 0.00523; gnomAD 0.01619 and 0.01713; gnomAD exomes 0.00448; 1000 Genomes Project 30x 0.01983; ESP Exome Variant Server 0.01615; TOPMed 0.01762; 1000 Genomes Project 0.01857.
gnomAD v4.1: 5,121 of 1,614,174 alleles (0.32%); highest among the groups gnomAD compares: African/African-American, 5.5%; 132 homozygotes.

Submissions (9):

Center for Genomic Medicine, Rigshospitalet, Copenhagen University Hospital
Classification: Benign. Last evaluated: 2025-03-04. Review status: criteria provided, single submitter. Criteria: ACMG Guidelines, 2015. Collection method: clinical testing. Allele origin: germline.

KCCC/NGS Laboratory, Kuwait Cancer Control Center
Classification: Benign for Waardenburg syndrome type 2A. Last evaluated: 2025-02-01. Review status: criteria provided, single submitter. Criteria: ACMG Guidelines, 2015. Collection method: clinical testing. Allele origin: germline. Affected: no.

ARUP Laboratories, Molecular Genetics and Genomics, ARUP Laboratories
Classification: Benign. Last evaluated: 2023-10-11. Review status: criteria provided, single submitter. Criteria: ARUP Molecular Germline Variant Investigation Process 2024. Collection method: clinical testing. Allele origin: germline.

KCCC/NGS Laboratory, Kuwait Cancer Control Center
Classification: Benign for Melanoma, cutaneous malignant, susceptibility to, 8. Last evaluated: 2023-07-07. Review status: criteria provided, single submitter. Criteria: ACMG Guidelines, 2015. Collection method: clinical testing. Allele origin: germline. Affected: yes.

Athena Diagnostics
Classification: Benign. Last evaluated: 2018-11-05. Review status: criteria provided, single submitter. Criteria: Athena Diagnostics Criteria. Collection method: clinical testing. Allele origin: germline.

GeneDx
Classification: Benign. Last evaluated: 2018-04-27. Review status: criteria provided, single submitter. Criteria: GeneDx Variant Classification (06012015). Collection method: clinical testing. Allele origin: germline. Affected: yes.
Comment: This variant is considered likely benign or benign based on one or more of the following criteria: it is a conservative change, it occurs at a poorly conserved position in the protein, it is predicted to be benign by multiple in silico algorithms, and/or has population frequency not consistent with disease.

Laboratory for Molecular Medicine, Mass General Brigham Personalized Medicine
Classification: Benign. Last evaluated: 2014-11-24. Review status: criteria provided, single submitter. Criteria: LMM Criteria. Collection method: clinical testing. Allele origin: germline. Observed: 9 variant alleles.
Comment: Thr110Thr in exon 2 of MITF: This variant is not expected to have clinical signi ficance because it does not alter an amino acid residue and is not located withi n the splice consensus sequence. It has been identified in 4.8% (205/4268) of Af rican American chromosomes from a broad population by the NHLBI Exome Sequencing Project (dbSNP rs9849776).

Breakthrough Genomics
Classification: Benign. Review status: criteria provided, single submitter. Criteria: ACMG Guidelines, 2015. Collection method: not provided. Allele origin: germline. Inheritance: Autosomal recessive inheritance. Affected: yes.

PreventionGenetics, part of Exact Sciences
Classification: Benign for MITF-related condition. Last evaluated: 2019-03-08. Review status: no assertion criteria provided. Collection method: clinical testing. Allele origin: germline. Not counted in ClinVar's aggregate classification.
Comment: This variant is classified as benign based on ACMG/AMP sequence variant interpretation guidelines (Richards et al. 2015 PMID: 25741868, with internal and published modifications).

NM_001354604.2(MITF):c.330G>A (p.Thr110=)

Gene: MITF (melanocyte inducing transcription factor; plus strand). Cytogenetic location: 3p13.
Variant type: single nucleotide variant.
Coding change: c.330G>A on transcript NM_001354604.2 (MANE Select); coding-DNA position 330, G replaced by A.
Protein change: p.Thr110=; no amino-acid change (threonine 110 retained).
Molecular consequence: synonymous variant.
Genome position (GRCh38, 1-based): chr3:69,879,359, G>A. VCF-style: chr3-69879359-G-A. GRCh37 (hg19) VCF-style: chr3-69928510-G-A.
Other names: c.330G>A (NM_001354604.1); c.174G>A, p.Thr58= (NM_001184967.2, NM_001354608.2); c.327G>A, p.Thr109= (NM_001354605.2, NM_001354606.2, NM_006722.3); c.279G>A, p.Thr93= (NM_001354607.2); c.330G>A, p.Thr110= (NM_198159.3); c.282G>A, p.Thr94= (NM_198177.3).
Identifiers: ClinVar variation 226727 (VCV000226727.18), dbSNP rs9849776, ClinGen allele CA2490295.